The following is an entry in ClinVar:

ClinVar aggregate classification (germline): Uncertain significance. Review status: criteria provided, multiple submitters, no conflicts (2 of 4 stars). 3 submissions from 3 submitters: Uncertain significance (3). Last evaluated 2023-01-23.

Allele frequency attached by ClinVar (database versions not stated): gnomAD 0.00001; TOPMed 0.00001.
gnomAD v4.1: 37 of 1,538,970 alleles (0.0024%); highest among the groups gnomAD compares: Non-Finnish European, 0.003%; no homozygotes.

Submissions (3):

ARUP Laboratories, Molecular Genetics and Genomics, ARUP Laboratories
Classification: Uncertain significance. Last evaluated: 2023-01-23. Review status: criteria provided, single submitter. Criteria: ARUP Molecular Germline Variant Investigation Process 2024. Collection method: clinical testing. Allele origin: germline.
Comment: The NOTCH3 c.6463G>C; p.Gly2155Arg variant (rs1244961873), to our knowledge, is not reported in the medical literature but is reported in ClinVar (Variation ID: 1807369). This variant is also absent from the Genome Aggregation Database, indicating it is not a common polymorphism. Computational analyses are uncertain whether this variant is neutral or deleterious (REVEL: 0.280). Most pathogenic NOTCH3 variants occur in exons 2-24 and either create or destroy a cysteine residue within an EGF-like domain (Rutten 2014). However, there are several amino acid substitutions not involving cysteine that may be disease-associated (Muino 2017). Although the p.Gly2155Arg variant does not occur within this critical region or involve a cysteine residue, due to its low population frequency its clinical significance is uncertain. References: Muino E et al. Systematic Review of Cysteine-Sparing NOTCH3 Missense Mutations in Patients with Clinical Suspicion of CADASIL. Int J Mol Sci. 2017 Sep 13;18(9). pii: E1964. PMID: 28902129. Rutten JW et al. Interpretation of NOTCH3 mutations in the diagnosis of CADASIL. Expert Rev Mol Diagn. 2014 Jun;14(5):593-603. PMID: 24844136.

Athena Diagnostics
Classification: Uncertain significance. Last evaluated: 2021-08-31. Review status: criteria provided, single submitter. Criteria: Athena Diagnostics Criteria. Collection method: clinical testing. Allele origin: unknown.

Blueprint Genetics
Classification: Uncertain significance. Last evaluated: 2020-10-13. Review status: criteria provided, single submitter. Criteria: ACMG Guidelines, 2015. Collection method: clinical testing. Allele origin: germline.

NM_000435.3(NOTCH3):c.6463G>C (p.Gly2155Arg)

Gene: NOTCH3 (notch receptor 3; minus strand). Cytogenetic location: 19p13.12.
Variant type: single nucleotide variant.
Coding change: c.6463G>C on transcript NM_000435.3 (MANE Select); coding-DNA position 6463, G replaced by C.
Protein change: p.Gly2155Arg; replaces glycine 2155 with arginine.
Molecular consequence: missense variant.
Genome position (GRCh38, 1-based): chr19:15,161,165, C>G on the plus strand (G>C on the coding strand, the complement: NOTCH3 is on the minus strand). VCF-style: chr19-15161165-C-G. GRCh37 (hg19) VCF-style: chr19-15271976-C-G.
Other names: short protein forms G2155R.
Identifiers: ClinVar variation 1807369 (VCV001807369.3), dbSNP rs1244961873, ClinGen allele CA404488119.